The following is an entry in ClinVar:

ClinVar aggregate classification (germline): Uncertain significance (1 of 4 stars; one submission).

gnomAD v4.1: 4 of 1,613,940 alleles (0.00025%); highest among the groups gnomAD compares: Non-Finnish European, 0.00025%; no homozygotes.

Submission:

Labcorp Genetics (formerly Invitae), Labcorp
Classification: Uncertain significance. Last evaluated: 2021-03-09. Review status: criteria provided, single submitter. Criteria: Invitae Variant Classification Sherloc (09022015). Collection method: clinical testing. Allele origin: germline.
Comment: In summary, the available evidence is currently insufficient to determine the role of this variant in disease. Therefore, it has been classified as a Variant of Uncertain Significance. Algorithms developed to predict the effect of missense changes on protein structure and function are either unavailable or do not agree on the potential impact of this missense change (SIFT: "Deleterious"; PolyPhen-2: "Possibly Damaging"; Align-GVGD: "Class C0"). This variant has not been reported in the literature in individuals with GPR179-related conditions. This variant is not present in population databases (ExAC no frequency). This sequence change replaces alanine with proline at codon 103 of the GPR179 protein (p.Ala103Pro). The alanine residue is moderately conserved and there is a small physicochemical difference between alanine and proline.

NM_001004334.4(GPR179):c.307G>C (p.Ala103Pro)

Gene: GPR179 (G protein-coupled receptor 179; minus strand). Cytogenetic location: 17q12.
Variant type: single nucleotide variant.
Coding change: c.307G>C on transcript NM_001004334.4 (MANE Select); coding-DNA position 307, G replaced by C.
Protein change: p.Ala103Pro; replaces alanine 103 with proline.
Molecular consequence: missense variant.
Genome position (GRCh38, 1-based): chr17:38,343,483, C>G on the plus strand (G>C on the coding strand, the complement: GPR179 is on the minus strand). VCF-style: chr17-38343483-C-G. GRCh37 (hg19) VCF-style: chr17-36499366-C-G.
Other names: short protein forms A103P.
Identifiers: ClinVar variation 1515429 (VCV001515429.8), dbSNP rs945902642, ClinGen allele CA398889504.